The following is an entry in ClinVar:

NM_004656.4(BAP1):c.1384C>T (p.Pro462Ser)

Gene: BAP1 (BRCA1 associated deubiquitinase 1; minus strand). Cytogenetic location: 3p21.1.
Variant type: single nucleotide variant.
Coding change: c.1384C>T on transcript NM_004656.4 (MANE Select); coding-DNA position 1384, C replaced by T.
Protein change: p.Pro462Ser; replaces proline 462 with serine.
Molecular consequence: missense variant.
Genome position (GRCh38, 1-based): chr3:52,403,761, G>A on the plus strand (C>T on the coding strand, the complement: BAP1 is on the minus strand). VCF-style: chr3-52403761-G-A. GRCh37 (hg19) VCF-style: chr3-52437777-G-A.
Other names: short protein forms P462S.
Identifiers: ClinVar variation 1060413 (VCV001060413.5), dbSNP rs1371815937, ClinGen allele CA353101669.

ClinVar aggregate classification (germline): Uncertain significance (1 of 4 stars; one submission).

Conditions:
BAP1-related tumor predisposition syndrome (TPDS1). Also called: Tumor susceptibility linked to germline BAP1 mutations; BAP1 tumor predisposition syndrome; COMMON Syndrome; TUMOR PREDISPOSITION SYNDROME 1. Identifiers: Orphanet 289539, MedGen C3280492, MONDO:0013692, OMIM 614327.

gnomAD v4.1: 2 of 1,614,092 alleles (0.00012%); highest among the groups gnomAD compares: Non-Finnish European, 0.00017%; no homozygotes.

Submission:

Labcorp Genetics (formerly Invitae), Labcorp
Classification: Uncertain significance for BAP1-related tumor predisposition syndrome. Last evaluated: 2020-10-12. Review status: criteria provided, single submitter. Criteria: Invitae Variant Classification Sherloc (09022015). Collection method: clinical testing. Allele origin: germline.
Comment: In summary, the available evidence is currently insufficient to determine the role of this variant in disease. Therefore, it has been classified as a Variant of Uncertain Significance. Algorithms developed to predict the effect of missense changes on protein structure and function are either unavailable or do not agree on the potential impact of this missense change (SIFT: "Deleterious"; PolyPhen-2: "Probably Damaging"; Align-GVGD: "Class C0"). This variant has not been reported in the literature in individuals with BAP1-related conditions. This variant is not present in population databases (ExAC no frequency). This sequence change replaces proline with serine at codon 462 of the BAP1 protein (p.Pro462Ser). The proline residue is highly conserved and there is a moderate physicochemical difference between proline and serine.